The following is an entry in ClinVar:

ClinVar aggregate classification (germline): Uncertain significance (1 of 4 stars; one submission).

Conditions:
RASopathy. Also called: Noonan spectrum disorder; rasopathies. Identifiers: Orphanet 536391, MedGen C5555857, MONDO:0021060.

Submission:

Labcorp Genetics (formerly Invitae), Labcorp
Classification: Uncertain significance for RASopathy. Last evaluated: 2025-09-14. Review status: criteria provided, single submitter. Criteria: Invitae Variant Classification Sherloc (09022015). Collection method: clinical testing. Allele origin: germline.
Comment: This sequence change replaces proline, which is neutral and non-polar, with alanine, which is neutral and non-polar, at codon 102 of the SOS1 protein (p.Pro102Ala). This variant is not present in population databases (gnomAD no frequency). This variant has not been reported in the literature in individuals affected with SOS1-related conditions. Invitae Evidence Modeling of protein sequence and biophysical properties (such as structural, functional, and spatial information, amino acid conservation, physicochemical variation, residue mobility, and thermodynamic stability) has been performed for this missense variant. However, the output from this modeling did not meet the statistical confidence thresholds required to predict the impact of this variant on SOS1 protein function. This variant disrupts the p.Pro102 amino acid residue in SOS1. Other variant(s) that disrupt this residue have been determined to be pathogenic (PMID: 19953625, 32981126). This suggests that this residue is clinically significant, and that variants that disrupt this residue are likely to be disease-causing. In summary, the available evidence is currently insufficient to determine the role of this variant in disease. Therefore, it has been classified as a Variant of Uncertain Significance.

Literature cited by the submitters: PubMed 19953625; PubMed 32981126.

NM_005633.4(SOS1):c.304C>G (p.Pro102Ala)

Gene: SOS1 (SOS Ras/Rac guanine nucleotide exchange factor 1; minus strand). Cytogenetic location: 2p22.1.
Variant type: single nucleotide variant.
Coding change: c.304C>G on transcript NM_005633.4 (MANE Select); coding-DNA position 304, C replaced by G.
Protein change: p.Pro102Ala; replaces proline 102 with alanine.
Molecular consequence: missense variant.
Genome position (GRCh38, 1-based): chr2:39,058,714, G>C on the plus strand (C>G on the coding strand, the complement: SOS1 is on the minus strand). VCF-style: chr2-39058714-G-C. GRCh37 (hg19) VCF-style: chr2-39285855-G-C.
Other names: c.283C>G, p.Pro95Ala (NM_001382394.1); c.304C>G, p.Pro102Ala (NM_001382395.1); short protein forms P102A, P95A.
Identifiers: ClinVar variation 4727339 (VCV004727339.1).